The following is an entry in ClinVar:

ClinVar aggregate classification (germline): Uncertain significance. Review status: criteria provided, multiple submitters, no conflicts (2 of 4 stars). 2 submissions from 2 submitters: Uncertain significance (2). Last evaluated 2025-10-02.

Conditions:
Congenital disorder of glycosylation, type IIq. Also called: CDG IIq. Identifiers: Orphanet 435934, MedGen C4479353, MONDO:0054559, OMIM 617395.

Allele frequency attached by ClinVar (database versions not stated): ExAC 0.00003; gnomAD exomes 0.00003; gnomAD 0.00010 and 0.00013; TOPMed 0.00013.
gnomAD v4.1: 26 of 1,611,320 alleles (0.0016%); highest among the groups gnomAD compares: African/African-American, 0.032%; no homozygotes.

Submissions (2):

Ambry Genetics
Classification: Uncertain significance. Last evaluated: 2025-10-02. Review status: criteria provided, single submitter. Criteria: Ambry Variant Classification Scheme 2023. Collection method: clinical testing. Allele origin: germline.

Labcorp Genetics (formerly Invitae), Labcorp
Classification: Uncertain significance for Congenital disorder of glycosylation, type IIq. Last evaluated: 2022-11-01. Review status: criteria provided, single submitter. Criteria: Invitae Variant Classification Sherloc (09022015). Collection method: clinical testing. Allele origin: germline.
Comment: This variant is present in population databases (rs767969104, gnomAD 0.05%). This sequence change replaces alanine, which is neutral and non-polar, with proline, which is neutral and non-polar, at codon 339 of the COG2 protein (p.Ala339Pro). This variant has not been reported in the literature in individuals affected with COG2-related conditions. ClinVar contains an entry for this variant (Variation ID: 1011775). Advanced modeling of protein sequence and biophysical properties (such as structural, functional, and spatial information, amino acid conservation, physicochemical variation, residue mobility, and thermodynamic stability) performed at Invitae indicates that this missense variant is not expected to disrupt COG2 protein function. In summary, the available evidence is currently insufficient to determine the role of this variant in disease. Therefore, it has been classified as a Variant of Uncertain Significance.

NM_007357.3(COG2):c.1015G>C (p.Ala339Pro)

Gene: COG2 (component of oligomeric golgi complex 2; plus strand). Cytogenetic location: 1q42.2.
Variant type: single nucleotide variant.
Coding change: c.1015G>C on transcript NM_007357.3 (MANE Select); coding-DNA position 1015, G replaced by C.
Protein change: p.Ala339Pro; replaces alanine 339 with proline.
Molecular consequence: missense variant.
Genome position (GRCh38, 1-based): chr1:230,675,113, G>C. VCF-style: chr1-230675113-G-C. GRCh37 (hg19) VCF-style: chr1-230810859-G-C.
Other names: c.1015G>C, p.Ala339Pro (NM_001145036.2); c.1015G>C (NM_007357.2); short protein forms A339P.
Identifiers: ClinVar variation 1011775 (VCV001011775.6), dbSNP rs767969104, ClinGen allele CA1447605.